The following is an entry in ClinVar:

ClinVar aggregate classification (germline): Uncertain significance. Review status: criteria provided, multiple submitters, no conflicts (2 of 4 stars). 2 submissions from 2 submitters: Uncertain significance (2). Last evaluated 2025-03-17.

gnomAD v4.1: 15 of 1,612,328 alleles (0.00093%); highest among the groups gnomAD compares: African/African-American, 0.0013%; no homozygotes.

Submissions (2):

Labcorp Genetics (formerly Invitae), Labcorp
Classification: Uncertain significance. Last evaluated: 2025-03-17. Review status: criteria provided, single submitter. Criteria: Invitae Variant Classification Sherloc (09022015). Collection method: clinical testing. Allele origin: germline.
Comment: This sequence change replaces arginine, which is basic and polar, with glycine, which is neutral and non-polar, at codon 441 of the CACNA2D4 protein (p.Arg441Gly). This variant is present in population databases (no rsID available, gnomAD 0.004%). This variant has not been reported in the literature in individuals affected with CACNA2D4-related conditions. ClinVar contains an entry for this variant (Variation ID: 2971360). An algorithm developed to predict the effect of missense changes on protein structure and function (PolyPhen-2) suggests that this variant is likely to be tolerated. In summary, the available evidence is currently insufficient to determine the role of this variant in disease. Therefore, it has been classified as a Variant of Uncertain Significance.

Blueprint Genetics
Classification: Uncertain significance. Last evaluated: 2021-09-08. Review status: criteria provided, single submitter. Criteria: ACMG Guidelines, 2015. Collection method: clinical testing. Allele origin: germline.

NM_172364.5(CACNA2D4):c.1321C>G (p.Arg441Gly)

Gene: CACNA2D4 (calcium voltage-gated channel auxiliary subunit alpha2delta 4; minus strand). Cytogenetic location: 12p13.33.
Variant type: single nucleotide variant.
Coding change: c.1321C>G on transcript NM_172364.5 (MANE Select); coding-DNA position 1321, C replaced by G.
Protein change: p.Arg441Gly; replaces arginine 441 with glycine.
Molecular consequence: missense variant.
Genome position (GRCh38, 1-based): chr12:1,884,273, G>C on the plus strand (C>G on the coding strand, the complement: CACNA2D4 is on the minus strand). VCF-style: chr12-1884273-G-C. GRCh37 (hg19) VCF-style: chr12-1993439-G-C.
Other names: short protein forms R441G.
Identifiers: ClinVar variation 2971360 (VCV002971360.4), dbSNP rs748328734, ClinGen allele CA383356794.